The following is an entry in ClinVar:

ClinVar aggregate classification (germline): Uncertain significance (1 of 4 stars; one submission).

Conditions:
Hereditary cancer-predisposing syndrome. Also called: Neoplastic Syndromes, Hereditary; Tumor predisposition; Hereditary Cancer Syndrome; Hereditary neoplastic syndrome. Identifiers: Orphanet 140162, MedGen C0027672, MeSH D009386, MONDO:0015356.

Submission:

Ambry Genetics
Classification: Uncertain significance for Hereditary cancer-predisposing syndrome. Last evaluated: 2022-06-13. Review status: criteria provided, single submitter. Criteria: Ambry Variant Classification Scheme 2023. Collection method: clinical testing. Allele origin: germline.
Comment: The p.P229S variant (also known as c.685C>T), located in coding exon 3 of the PHOX2B gene, results from a C to T substitution at nucleotide position 685. The proline at codon 229 is replaced by serine, an amino acid with similar properties. This amino acid position is conserved. In addition, this alteration is predicted to be tolerated by in silico analysis. Since supporting evidence is limited at this time, the clinical significance of this alteration remains unclear.

NM_003924.4(PHOX2B):c.685C>T (p.Pro229Ser)

Gene: PHOX2B (paired like homeobox 2B; minus strand). Cytogenetic location: 4p13.
Variant type: single nucleotide variant.
Coding change: c.685C>T on transcript NM_003924.4 (MANE Select); coding-DNA position 685, C replaced by T.
Protein change: p.Pro229Ser; replaces proline 229 with serine.
Molecular consequence: missense variant.
Genome position (GRCh38, 1-based): chr4:41,746,067, G>A on the plus strand (C>T on the coding strand, the complement: PHOX2B is on the minus strand). VCF-style: chr4-41746067-G-A. GRCh37 (hg19) VCF-style: chr4-41748084-G-A.
Other names: short protein forms P229S.
Identifiers: ClinVar variation 1755827 (VCV001755827.2), dbSNP rs1328080249, ClinGen allele CA356737398.